The following is an entry in ClinVar:

NM_000352.6(ABCC8):c.2666A>C (p.Lys889Thr)

Gene: ABCC8 (ATP binding cassette subfamily C member 8; minus strand). Cytogenetic location: 11p15.1.
Variant type: single nucleotide variant.
Coding change: c.2666A>C on transcript NM_000352.6 (MANE Select); coding-DNA position 2666, A replaced by C.
Protein change: p.Lys889Thr; replaces lysine 889 with threonine.
Molecular consequence: missense variant. On other transcripts: non-coding transcript variant (1).
Genome position (GRCh38, 1-based): chr11:17,410,544, T>G on the plus strand (A>C on the coding strand, the complement: ABCC8 is on the minus strand). VCF-style: chr11-17410544-T-G. GRCh37 (hg19) VCF-style: chr11-17432091-T-G.
Other names: c.2669A>C, p.Lys890Thr (NM_001287174.3); c.2732A>C, p.Lys911Thr (NM_001351295.2); c.2666A>C, p.Lys889Thr (NM_001351296.2); c.2663A>C, p.Lys888Thr (NM_001351297.2); short protein forms K889T, K890T, K911T, K888T.
Identifiers: ClinVar variation 558717 (VCV000558717.18), dbSNP rs761862121, ClinGen allele CA5903060.

ClinVar aggregate classification (germline): Conflicting classifications of pathogenicity. Review status: criteria provided, conflicting classifications (1 of 4 stars). 12 submissions from 10 submitters: Likely pathogenic (3); Uncertain significance (8). 1 of the submissions does not count toward it. Last evaluated 2026-03-16.

Conditions:
Permanent neonatal diabetes mellitus (PNDM). Identifiers: Orphanet 99885, MedGen C1833104, MONDO:0100164, MONDO:0011643. Disease mechanism: gain of function.
Monogenic diabetes. Identifiers: Orphanet 183625, MedGen C3888631, MONDO:0015967.
Type 2 diabetes mellitus. Also called: Type II diabetes mellitus. Identifiers: MedGen C0011860, MeSH D003924, MONDO:0005148, OMIM 125853, HP:0005978.
Diabetes mellitus, permanent neonatal 3. Also called: ABCC8-Related Permanent Neonatal Diabetes Mellitus. Identifiers: MedGen C5394303, MONDO:0030088, OMIM 618857.
Leucine-induced hypoglycemia (LIH). Also called: LEUCINE-SENSITIVE HYPOGLYCEMIA OF INFANCY. Identifiers: MedGen C0271714, MONDO:0009415, OMIM 240800.
Hyperinsulinemic hypoglycemia, familial, 1 (HHF1). Also called: Persistent Hyperinsulinemia Hypoglycemia of Infancy; Persistent hyperinsulinemic hypoglycemia of infancy; HYPERINSULINISM, FAMILIAL, WITH PANCREATIC NESIDIOBLASTOSIS; HYPOGLYCEMIA, HYPERINSULINEMIC, OF INFANCY; NESIDIOBLASTOSIS OF PANCREAS. Identifiers: Orphanet 276575, Orphanet 276598, MedGen C2931832, MONDO:0009734, OMIM 256450.
Diabetes mellitus, transient neonatal, 2 (TNDM2). Identifiers: Orphanet 99886, MedGen C1835887, MONDO:0012480, OMIM 610374. Disease mechanism: loss of function.

Allele frequency attached by ClinVar (database versions not stated): ExAC 0.00002; gnomAD 0.00002; gnomAD exomes 0.00002; TOPMed 0.00002.
gnomAD v4.1: 26 of 1,614,018 alleles (0.0016%); highest among the groups gnomAD compares: South Asian, 0.0066%; no homozygotes.

Submissions (12):

Women's Health and Genetics/Laboratory Corporation of America, LabCorp
Classification: Uncertain significance. Last evaluated: 2026-03-16. Review status: criteria provided, single submitter. Criteria: LabCorp Variant Classification Summary - May 2015. Collection method: clinical testing. Allele origin: germline.
Comment: Variant summary: ABCC8 c.2666A>C (p.Lys889Thr) results in a non-conservative amino acid change in the encoded protein sequence. Five of five in-silico tools predict a damaging effect of the variant on protein function. The variant allele was found at a frequency of 1.6e-05 in 251466 control chromosomes. c.2666A>C has been reported in the literature in a patient with diazoxide-unresponsive diffuse CHI carrying only the variant of interest (Bellanne-Chantelot_2010), as well as a patient with CHI carrying the variant in the homozygous state (Giurgea_2004). These data indicate that the variant may be associated with disease. In vitro expression studies testing traffic efficiency and responses of mutant channels to activation by MgADP and diazoxide showed the variant to have reduced but significant activity (Saint-Martin_2015). The following publications have been ascertained in the context of this evaluation (PMID: 14764815, 20685672, 24814349). ClinVar contains an entry for this variant (Variation ID: 558717). Based on the evidence outlined above, the variant was classified as VUS-possibly pathogenic.

Myriad Genetics, Inc.
Classification: Uncertain significance for Hyperinsulinemic hypoglycemia, familial, 1. Last evaluated: 2025-10-22. Review status: criteria provided, single submitter. Criteria: Myriad Autosomal Dominant, Autosomal Recessive and X-Linked Classification Criteria (2023). Collection method: clinical testing. Allele origin: unknown.
Comment: NM_000352.3(ABCC8):c.2666A>C(K889T) is a missense variant classified as a variant of uncertain significance in the context of familial hyperinsulinism, ABCC8-related. K889T has been observed in cases with relevant disease (PMID: 14764815, 20685672, 10204114). Relevant functional assessments of this variant are available in the literature (PMID: 24814349). K889T has been observed in referenced population frequency databases. In summary, there is insufficient evidence to classify NM_000352.3(ABCC8):c.2666A>C(K889T) as pathogenic or benign. Please note: this variant was assessed in the context of healthy population screening.

GeneDx
Classification: Likely pathogenic. Last evaluated: 2025-02-03. Review status: criteria provided, single submitter. Criteria: GeneDx Variant Classification Process June 2021. Collection method: clinical testing. Allele origin: germline. Affected: yes.
Comment: Reported as a single heterozygous variant in a proband with diffuse congenital hyperinsulinism (PMID: 24814349); Published functional studies demonstrate a damaging effect: reduced protein function (PMID: 24814349); In silico analysis supports that this missense variant has a deleterious effect on protein structure/function; Also known as p.K890T; This variant is associated with the following publications: (PMID: 34426522, 24814349, 28346775, 10204114, 17942822, 36613572, 14764815, 10720932, 20799350, 20685672)

Genomic Medicine Center of Excellence, King Faisal Specialist Hospital and Research Centre
Classification: Uncertain significance for Hyperinsulinemic hypoglycemia, familial, 1. Last evaluated: 2024-12-19. Review status: criteria provided, single submitter. Criteria: ACMG Guidelines, 2015. Collection method: clinical testing. Allele origin: germline.

Fulgent Genetics
Classification: Likely pathogenic for Type 2 diabetes mellitus; Leucine-induced hypoglycemia; Hyperinsulinemic hypoglycemia, familial, 1; Diabetes mellitus, transient neonatal, 2; Diabetes mellitus, permanent neonatal 3. Last evaluated: 2024-05-25. Review status: criteria provided, single submitter. Criteria: ACMG Guidelines, 2015. Collection method: clinical testing. Allele origin: germline.

Baylor Genetics
Classification: Likely pathogenic for Type 2 diabetes mellitus. Last evaluated: 2024-03-13. Review status: criteria provided, single submitter. Criteria: ACMG Guidelines, 2015. Collection method: clinical testing. Allele origin: unknown.

Genetic Services Laboratory, University of Chicago
Classification: Uncertain significance. Last evaluated: 2021-01-21. Review status: criteria provided, single submitter. Criteria: ACMG Guidelines, 2015. Collection method: clinical testing. Allele origin: germline. Affected: no.

Personalized Diabetes Medicine Program, University of Maryland School of Medicine
Classification: Uncertain significance for Monogenic diabetes. Last evaluated: 2018-10-26. Review status: criteria provided, single submitter. Criteria: ACMG Guidelines, 2015. Collection method: research. Allele origin: unknown. Observed: 1 variant allele, 1 heterozygote.
Comment: ACMG criteria: PP3 (REVEL 0.763 + 8 predictors; not using BP4/2 predictors), PM2 (extremely low frequency in gnomAD)= VUS (Not using PS3- PMID:24814349/Saint Martin 2015 paper, it seems the functional studies aren't completely conclusive- it shows limited effect on channel activity (50% of WT compared to other mutations that maintained less than 85% of WT activity; "The K890T channel showed ~50% and ~70% of the WT response to MgADP and diazoxide, respectively, consistent with the reduced but significant activity in Rb efflux assays." Two cases PMID: 14764815 and PMID: 24814349 but not sure if phenotype is specific so not using PP4)

Illumina Laboratory Services, Illumina
Classification: Uncertain significance for Diabetes mellitus, transient neonatal, 2. Last evaluated: 2017-04-27. Review status: criteria provided, single submitter. Criteria: ICSL Variant Classification Criteria 13 December 2019. Collection method: clinical testing. Allele origin: germline.

Illumina Laboratory Services, Illumina
Classification: Uncertain significance for Permanent neonatal diabetes mellitus 1. Last evaluated: 2017-04-27. Review status: criteria provided, single submitter. Criteria: ICSL Variant Classification Criteria 13 December 2019. Collection method: clinical testing. Allele origin: germline.

Illumina Laboratory Services, Illumina
Classification: Uncertain significance for Hyperinsulinemic hypoglycemia, familial, 1. Last evaluated: 2017-04-27. Review status: criteria provided, single submitter. Criteria: ICSL Variant Classification Criteria 13 December 2019. Collection method: clinical testing. Allele origin: germline.
Comment: This variant was observed as part of a predisposition screen in an ostensibly healthy population. A literature search was performed for the gene, cDNA change, and amino acid change (where applicable). Publications were found based on this search. However, the evidence from the literature, in combination with allele frequency data from public databases where available, was not sufficient to rule this variant in or out of causing disease. Therefore, this variant is classified as a variant of unknown significance.

Counsyl
Classification: Uncertain significance for Hyperinsulinemic hypoglycemia, familial, 1. Last evaluated: 2018-06-07. Review status: no assertion criteria provided. Collection method: clinical testing. Allele origin: unknown. Not counted in ClinVar's aggregate classification.

Literature cited by the submitters: PubMed 14764815 (cited by 4 submitters); PubMed 20685672 (cited by 3 submitters); PubMed 24814349 (cited by 4 submitters); PubMed 10204114 (cited by Myriad Genetics, Inc. and Counsyl); PubMed 20799350 (cited by Illumina Laboratory Services, Illumina); PubMed 28346775 (cited by Counsyl).